The following is an entry in ClinVar:

NM_003072.5(SMARCA4):c.637A>G (p.Met213Val)

Gene: SMARCA4 (SWI/SNF related BAF chromatin remodeling complex subunit ATPase 4; plus strand). Cytogenetic location: 19p13.2.
Variant type: single nucleotide variant.
Coding change: c.637A>G on transcript NM_003072.5 (MANE Select); coding-DNA position 637, A replaced by G.
Protein change: p.Met213Val; replaces methionine 213 with valine.
Molecular consequence: missense variant. On other transcripts: non-coding transcript variant (1).
Genome position (GRCh38, 1-based): chr19:10,986,470, A>G. VCF-style: chr19-10986470-A-G. GRCh37 (hg19) VCF-style: chr19-11097146-A-G.
Other names: c.637A>G, p.Met213Val (NM_001128844.3, NM_001128845.2, NM_001128846.2 and 5 more transcripts); c.637A>G (NM_001128849.1); short protein forms M213V.
Identifiers: ClinVar variation 1522031 (VCV001522031.7), dbSNP rs2145781361, ClinGen allele CA404056719.

ClinVar aggregate classification (germline): Uncertain significance. Review status: criteria provided, multiple submitters, no conflicts (2 of 4 stars). 2 submissions from 2 submitters: Uncertain significance (2). Last evaluated 2026-07-06.

Conditions:
Hereditary cancer-predisposing syndrome. Also called: Hereditary Cancer Syndrome; Tumor predisposition; Neoplastic Syndromes, Hereditary; Hereditary neoplastic syndrome. Identifiers: Orphanet 140162, MedGen C0027672, MeSH D009386, MONDO:0015356.
Rhabdoid tumor predisposition syndrome 2 (RTPS2). Identifiers: Orphanet 231108, Orphanet 69077, MedGen C2750074, MONDO:0013224, OMIM 613325.

Submissions (2):

Ambry Genetics
Classification: Uncertain significance for Hereditary cancer-predisposing syndrome. Last evaluated: 2026-07-06. Review status: criteria provided, single submitter. Criteria: Ambry Variant Classification Scheme 2023. Collection method: clinical testing. Allele origin: germline.
Comment: The p.M213V variant (also known as c.637A>G), located in coding exon 3 of the SMARCA4 gene, results from an A to G substitution at nucleotide position 637. The methionine at codon 213 is replaced by valine, an amino acid with highly similar properties. This amino acid position is conserved. In addition, the in silico prediction for this alteration is inconclusive. Based on the available evidence, the clinical significance of this variant remains unclear.

Labcorp Genetics (formerly Invitae), Labcorp
Classification: Uncertain significance for Rhabdoid tumor predisposition syndrome 2. Last evaluated: 2021-09-30. Review status: criteria provided, single submitter. Criteria: Invitae Variant Classification Sherloc (09022015). Collection method: clinical testing. Allele origin: germline.
Comment: This sequence change replaces methionine with valine at codon 213 of the SMARCA4 protein (p.Met213Val). The methionine residue is highly conserved and there is a small physicochemical difference between methionine and valine. This variant is not present in population databases (ExAC no frequency). This variant has not been reported in the literature in individuals affected with SMARCA4-related conditions. Algorithms developed to predict the effect of missense changes on protein structure and function are either unavailable or do not agree on the potential impact of this missense change (SIFT: "Deleterious"; PolyPhen-2: "Benign"; Align-GVGD: "Class C15"). In summary, the available evidence is currently insufficient to determine the role of this variant in disease. Therefore, it has been classified as a Variant of Uncertain Significance.